The following is an entry in ClinVar:

ClinVar aggregate classification (germline): Pathogenic (1 of 4 stars; one submission).

Conditions:
Multiple gastrointestinal atresias. Also called: FAMILIAL INTESTINAL POLYATRESIA SYNDROME; Multiple intestinal atresia. Identifiers: Orphanet 2300, MedGen C0220744, MONDO:0009465.

Allele frequency attached by ClinVar (database versions not stated): gnomAD exomes below 0.00001.
gnomAD v4.1: 1 of 1,614,122 alleles (0.000062%); highest among the groups gnomAD compares: Non-Finnish European, 0.000085%; no homozygotes.

Submission:

Labcorp Genetics (formerly Invitae), Labcorp
Classification: Pathogenic for Multiple gastrointestinal atresias. Last evaluated: 2022-06-13. Review status: criteria provided, single submitter. Criteria: Invitae Variant Classification Sherloc (09022015). Collection method: clinical testing. Allele origin: germline.
Comment: For these reasons, this variant has been classified as Pathogenic. This variant has not been reported in the literature in individuals affected with TTC7A-related conditions. This variant is not present in population databases (gnomAD no frequency). This sequence change creates a premature translational stop signal (p.Gln76*) in the TTC7A gene. It is expected to result in an absent or disrupted protein product. Loss-of-function variants in TTC7A are known to be pathogenic (PMID: 23830146, 24292712).

Literature cited by the submitters: PubMed 23830146; PubMed 24292712.

NM_020458.4(TTC7A):c.226C>T (p.Gln76Ter)

Gene: TTC7A (tetratricopeptide repeat domain 7A; plus strand). Cytogenetic location: 2p21.
Variant type: single nucleotide variant.
Coding change: c.226C>T on transcript NM_020458.4 (MANE Select); coding-DNA position 226, C replaced by T.
Protein change: p.Gln76Ter; replaces glutamine 76 with a stop codon.
Molecular consequence: nonsense. On other transcripts: 5 prime UTR variant (1).
Genome position (GRCh38, 1-based): chr2:46,950,404, C>T. VCF-style: chr2-46950404-C-T. GRCh37 (hg19) VCF-style: chr2-47177543-C-T.
Other names: c.226C>T, p.Gln76Ter (NM_001288951.2); c.124C>T, p.Gln42Ter (NM_001288953.2); c.-679C>T (NM_001288955.2); short protein forms Q42*, Q76*.
Identifiers: ClinVar variation 2001826 (VCV002001826.4), dbSNP rs1558499471, ClinGen allele CA346716883.